The following is an entry in ClinVar:

NM_005562.3(LAMC2):c.2764C>T (p.Gln922Ter)

Gene: LAMC2 (laminin subunit gamma 2; plus strand). Cytogenetic location: 1q25.3.
Variant type: single nucleotide variant.
Coding change: c.2764C>T on transcript NM_005562.3 (MANE Select); coding-DNA position 2764, C replaced by T.
Protein change: p.Gln922Ter; replaces glutamine 922 with a stop codon.
Molecular consequence: nonsense.
Genome position (GRCh38, 1-based): chr1:183,238,316, C>T. VCF-style: chr1-183238316-C-T. GRCh37 (hg19) VCF-style: chr1-183207451-C-T.
Other names: c.2764C>T, p.Gln922Ter (NM_018891.3); short protein forms Q922*.
Identifiers: ClinVar variation 983665 (VCV000983665.3), dbSNP rs1660027790, ClinGen allele CA343699067.

ClinVar aggregate classification (germline): Likely pathogenic (1 of 4 stars; one submission).

Conditions:
Junctional epidermolysis bullosa gravis of Herlitz. Also called: Herlitz-type junctional epidermolysis bullosa; Epidermolysis Bullosa Letalis; EPIDERMOLYSIS BULLOSA, JUNCTIONAL 1B, SEVERE; EPIDERMOLYSIS BULLOSA JUNCTIONALIS, HERLITZ TYPE; EPIDERMOLYSIS BULLOSA, JUNCTIONAL, HERLITZ-PEARSON TYPE; JEB-HERLITZ TYPE. Identifiers: Orphanet 79404, MedGen C0079683, MONDO:0009182, OMIM 226700.

Allele frequency attached by ClinVar (database versions not stated): gnomAD exomes below 0.00001.
gnomAD v4.1: 2 of 1,613,140 alleles (0.00012%); highest among the groups gnomAD compares: Non-Finnish European, 0.00017%; no homozygotes.

Submission:

Myriad Genetics, Inc.
Classification: Likely pathogenic for Junctional epidermolysis bullosa gravis of Herlitz. Last evaluated: 2019-02-28. Review status: criteria provided, single submitter. Criteria: Myriad Women's Health Autosomal Recessive and X-Linked Classification Criteria (2019). Collection method: clinical testing. Allele origin: unknown.
Comment: NM_005562.2(LAMC2):c.2764C>T(Q922*) is expected to be pathogenic in the context of junctional epidermolysis bullosa, LAMC2-related. This variant is predicted to lead to an abnormal or absent protein product due to the creation of a premature termination codon in LAMC2, a gene where loss-of-function variants are known to be pathogenic. Please note: this variant was assessed in the context of healthy population screening.